The following is an entry in ClinVar:

NM_000143.4(FH):c.122C>T (p.Ala41Val)

Gene: FH (fumarate hydratase; minus strand). Cytogenetic location: 1q43.
Variant type: single nucleotide variant.
Coding change: c.122C>T on transcript NM_000143.4 (MANE Select); coding-DNA position 122, C replaced by T.
Protein change: p.Ala41Val; replaces alanine 41 with valine.
Molecular consequence: missense variant.
Genome position (GRCh38, 1-based): chr1:241,519,601, G>A on the plus strand (C>T on the coding strand, the complement: FH is on the minus strand). VCF-style: chr1-241519601-G-A. GRCh37 (hg19) VCF-style: chr1-241682901-G-A.
Other names: short protein forms A41V.
Identifiers: ClinVar variation 184518 (VCV000184518.53), dbSNP rs201486221, ClinGen allele CA189176.
Genomic context (GRCh38, chr1:241,519,601, plus strand): 5'-AGGGCTGAAGGTCACTGCGGGGAGGCCGGGGGATGGCGGCCTGCGCTCACCATTCGAGCC[G>A]CGTTCGGAGGCCAAAACGAGGGCACGGCCGCGCCACCCAAGCCGGGAGCCGAAGCTAAGG-3'
Protein context (NP_000134.2, residues 31-51): AAVPSFWPPN[Ala41Val]ARMASQNSFR

ClinVar aggregate classification (germline): Conflicting classifications of pathogenicity. Review status: criteria provided, conflicting classifications (1 of 4 stars). 11 submissions from 10 submitters: Uncertain significance (2); Benign (4); Likely benign (4). 1 of the submissions does not count toward it. Last evaluated 2026-01-27.

Conditions:
FH-related disorder. Also called: FH-related condition; FH-related disorders.
Hereditary cancer-predisposing syndrome. Also called: Tumor predisposition; Neoplastic Syndromes, Hereditary; Hereditary Cancer Syndrome; Hereditary neoplastic syndrome. Identifiers: Orphanet 140162, MedGen C0027672, MeSH D009386, MONDO:0015356.
Hereditary leiomyomatosis and renal cell cancer. Also called: FH tumor predisposition syndrome; MULTIPLE CUTANEOUS AND UTERINE LEIOMYOMATA 1, WITH OR WITHOUT RENAL CELL CARCINOMA; LEIOMYOMA, MULTIPLE CUTANEOUS; Multiple cutaneous leiomyomas; Familial leiomyomatosis; Reed syndrome. Identifiers: Orphanet 523, MedGen C1708350, MONDO:0007888, OMIM 150800, HP:0007437. Disease mechanism: loss of function.
Fumarase deficiency (FMRD). Also called: Fumarate Hydratase Deficiency; Fumaric aciduria. Identifiers: Orphanet 24, MedGen C0342770, MONDO:0011730, OMIM 606812.

Allele frequency attached by ClinVar (database versions not stated): gnomAD 0.00012 and 0.00014; TOPMed 0.00012; gnomAD exomes 0.00037; ExAC 0.00100.

Submissions (11):

Labcorp Genetics (formerly Invitae), Labcorp
Classification: Benign. Last evaluated: 2026-01-27. Review status: criteria provided, single submitter. Criteria: Invitae Variant Classification Sherloc (09022015). Collection method: clinical testing. Allele origin: germline.

Center for Genomic Medicine, Rigshospitalet, Copenhagen University Hospital
Classification: Uncertain significance. Last evaluated: 2025-03-04. Review status: criteria provided, single submitter. Criteria: ACMG Guidelines, 2015. Collection method: clinical testing. Allele origin: germline.

Blueprint Genetics
Classification: Likely benign. Last evaluated: 2024-10-25. Review status: criteria provided, single submitter. Criteria: ACMG Guidelines, 2015. Collection method: clinical testing. Allele origin: germline.

CeGaT Center for Human Genetics Tuebingen
Classification: Likely benign. Last evaluated: 2024-03-01. Review status: criteria provided, single submitter. Criteria: CeGaT Center For Human Genetics Tuebingen Variant Classification Criteria Version 2. Collection method: clinical testing. Allele origin: germline. Affected: yes. Observed: 1 variant allele.
Comment: FH: BS1:Supporting

Quest Diagnostics Nichols Institute San Juan Capistrano
Classification: Benign. Last evaluated: 2022-10-27. Review status: criteria provided, single submitter. Criteria: Quest Diagnostics criteria. Collection method: clinical testing. Allele origin: unknown.

GeneDx
Classification: Likely benign. Last evaluated: 2021-01-29. Review status: criteria provided, single submitter. Criteria: GeneDx Variant Classification Process June 2021. Collection method: clinical testing. Allele origin: germline. Affected: yes.
Comment: This variant is associated with the following publications: (PMID: 28873162)

Sema4
Classification: Benign for Hereditary cancer-predisposing syndrome. Last evaluated: 2020-12-29. Review status: criteria provided, single submitter. Criteria: Sema4 Curation Guidelines. Collection method: curation. Allele origin: germline.

Ambry Genetics
Classification: Likely benign for Hereditary cancer-predisposing syndrome. Last evaluated: 2018-10-09. Review status: criteria provided, single submitter. Criteria: Ambry Variant Classification Scheme 2023. Collection method: clinical testing. Allele origin: germline.

Illumina Laboratory Services, Illumina
Classification: Benign for Hereditary leiomyomatosis and renal cell cancer. Last evaluated: 2018-01-13. Review status: criteria provided, single submitter. Criteria: ICSL Variant Classification Criteria 13 December 2019. Collection method: clinical testing. Allele origin: germline.
Comment: This variant was observed in the ICSL laboratory as part of a predisposition screen in an ostensibly healthy population. It had not been previously curated by ICSL or reported in the Human Gene Mutation Database (HGMD: prior to June 1st, 2018), and was therefore a candidate for classification through an automated scoring system. Utilizing variant allele frequency, disease prevalence and penetrance estimates, and inheritance mode, an automated score was calculated to assess if this variant is too frequent to cause the disease. Based on the score and internal cut-off values, a variant classified as benign is not then subjected to further curation. The score for this variant resulted in a classification of benign for this disease.

Illumina Laboratory Services, Illumina
Classification: Uncertain significance for Fumarase deficiency. Last evaluated: 2018-01-13. Review status: criteria provided, single submitter. Criteria: ICSL Variant Classification Criteria 13 December 2019. Collection method: clinical testing. Allele origin: germline.

PreventionGenetics, part of Exact Sciences
Classification: Likely benign for FH-related condition. Last evaluated: 2024-01-18. Review status: no assertion criteria provided. Collection method: clinical testing. Allele origin: germline. Not counted in ClinVar's aggregate classification.
Comment: This variant is classified as likely benign based on ACMG/AMP sequence variant interpretation guidelines (Richards et al. 2015 PMID: 25741868, with internal and published modifications).